The following is an entry in ClinVar:

ClinVar aggregate classification (germline): Uncertain significance (1 of 4 stars; one submission).

Submission:

Clinical Genomics Laboratory, Laboratory for Precision Diagnostics, University of Washington
Classification: Uncertain significance. Last evaluated: 2019-11-26. Review status: criteria provided, single submitter. Criteria: Clinical Cytogenomics Laboratory Policy on CNV Interpretation. Collection method: clinical testing. Allele origin: unknown. Affected: yes. Observed: 1 variant allele.

GRCh37/hg19 1p36.11(chr1:25872197-26274156)x3

Genes: AUNIP (aurora kinase A and ninein interacting protein; minus strand), LDLRAP1 (low density lipoprotein receptor adaptor protein 1; plus strand), MAN1C1 (mannosidase alpha class 1C member 1; plus strand), MTFR1L (mitochondrial fission regulator 1 like; plus strand), PAQR7 (progestin and adipoQ receptor family member 7; minus strand) and 2 more. Cytogenetic location: 1p36.11.
Variant type: copy number gain.
Change: copy number 3 (three copies instead of two) of chr1:25,872,197-26,274,156 (402.0 kb, GRCh37 coordinates, 1-based), cytogenetic band 1p36.11.
Identifiers: ClinVar variation 929348 (VCV000929348.2).